The following is an entry in ClinVar:

ClinVar aggregate classification (germline): Uncertain significance. Review status: criteria provided, multiple submitters, no conflicts (2 of 4 stars). 2 submissions from 2 submitters: Uncertain significance (2). Last evaluated 2024-04-15.

Conditions:
Heterotopia, periventricular, X-linked dominant (PVNH1). Also called: PERIVENTRICULAR NODULAR HETEROTOPIA 1; X-linked periventricular heterotopia; PERIVENTRICULAR NODULAR HETEROTOPIA 4; HETEROTOPIA, PERIVENTRICULAR, 1. Identifiers: Orphanet 2149, Orphanet 82004, MedGen C1848213, MONDO:0010233, OMIM 300049.
Oto-palato-digital syndrome, type II (OPD2). Also called: OPD II SYNDROME; FACIOPALATOOSSEOUS SYNDROME; Otopalatodigital Syndrome Type 2 (FLNA-OPD2); Otopalatodigital Syndrome, Type II. Identifiers: Orphanet 669, Orphanet 90652, MedGen C1844696, MONDO:0010571, OMIM 304120.
Frontometaphyseal dysplasia (FMD1). Identifiers: Orphanet 1826, MedGen C0265293, MONDO:0015942.
Melnick-Needles syndrome (MNS). Also called: MELNICK-NEEDLES OSTEODYSPLASTY; OSTEODYSPLASTY OF MELNICK AND NEEDLES; Melnick-Needles Syndrome (FLNA-MNS). Identifiers: Orphanet 2484, MedGen C0025237, MONDO:0010650, OMIM 309350.

Allele frequency attached by ClinVar (database versions not stated): gnomAD exomes below 0.00001; TOPMed below 0.00001; gnomAD 0.00001.
gnomAD v4.1: 2 of 1,209,912 alleles (0.00017%); highest among the groups gnomAD compares: East Asian, 0.003%; no homozygotes.

Submissions (2):

GeneDx
Classification: Uncertain significance. Last evaluated: 2024-04-15. Review status: criteria provided, single submitter. Criteria: GeneDx Variant Classification Process June 2021. Collection method: clinical testing. Allele origin: germline. Affected: yes.
Comment: Has not been previously published as pathogenic or benign to our knowledge; In silico analysis indicates that this missense variant does not alter protein structure/function

Labcorp Genetics (formerly Invitae), Labcorp
Classification: Uncertain significance for Oto-palato-digital syndrome, type II; Heterotopia, periventricular, X-linked dominant; Frontometaphyseal dysplasia; Melnick-Needles syndrome. Last evaluated: 2022-03-23. Review status: criteria provided, single submitter. Criteria: Invitae Variant Classification Sherloc (09022015). Collection method: clinical testing. Allele origin: germline.
Comment: In summary, the available evidence is currently insufficient to determine the role of this variant in disease. Therefore, it has been classified as a Variant of Uncertain Significance. Algorithms developed to predict the effect of missense changes on protein structure and function output the following: SIFT: "Tolerated"; PolyPhen-2: "Benign"; Align-GVGD: "Class C0". The isoleucine amino acid residue is found in multiple mammalian species, which suggests that this missense change does not adversely affect protein function. ClinVar contains an entry for this variant (Variation ID: 846637). This variant has not been reported in the literature in individuals affected with FLNA-related conditions. This variant is present in population databases (no rsID available, gnomAD 0.1%). This sequence change replaces valine, which is neutral and non-polar, with isoleucine, which is neutral and non-polar, at codon 887 of the FLNA protein (p.Val887Ile).

NM_001110556.2(FLNA):c.2659G>A (p.Val887Ile)

Gene: FLNA (filamin A; minus strand). Cytogenetic location: Xq28.
Variant type: single nucleotide variant.
Coding change: c.2659G>A on transcript NM_001110556.2 (MANE Select); coding-DNA position 2659, G replaced by A.
Protein change: p.Val887Ile; replaces valine 887 with isoleucine.
Molecular consequence: missense variant.
Genome position (GRCh38, 1-based): chrX:154,362,146, C>T on the plus strand (G>A on the coding strand, the complement: FLNA is on the minus strand). VCF-style: chrX-154362146-C-T. GRCh37 (hg19) VCF-style: chrX-153590514-C-T.
Other names: c.2659G>A, p.Val887Ile (NM_001456.4); short protein forms V887I.
Identifiers: ClinVar variation 846637 (VCV000846637.12), dbSNP rs1156296397, ClinGen allele CA415233236.